The following is an entry in ClinVar:

NM_001083962.2(TCF4):c.1585del (p.Ser529fs)

Gene: TCF4 (transcription factor 4; minus strand). Cytogenetic location: 18q21.2.
Variant type: Deletion.
Coding change: c.1585del on transcript NM_001083962.2 (MANE Select); coding-DNA position 1585, one base deleted (T; older notation c.1585delT).
Protein change: p.Ser529fs; shifts the reading frame from serine 529.
Molecular consequence: frameshift variant.
Genome position (GRCh38, 1-based): chr18:55,232,573, A deleted on the plus strand (T on the coding strand, the reverse complement: TCF4 is on the minus strand); the first of 2 consecutive A bases (chr18:55,232,573-55,232,574); deleting either gives the same sequence. VCF-style (leftmost placement, unchanged base first): chr18-55232572-GA-G. GRCh37 (hg19) VCF-style: chr18-52899803-GA-G.
Other names: c.1891del, p.Ser631fs (NM_001243226.3); c.1513del, p.Ser505fs (NM_001243227.2, NM_001306207.1, NM_001348217.1 and 5 more transcripts); c.1603del, p.Ser535fs (NM_001243228.2); c.1576del, p.Ser526fs (NM_001243230.2); c.1459del, p.Ser487fs (NM_001243231.2, NM_001348211.2); c.1372del, p.Ser458fs (NM_001243232.1, NM_001306208.1); c.1195del, p.Ser399fs (NM_001243233.2, NM_001330605.3, NM_001348212.2 and 1 more transcripts); c.1105del, p.Ser369fs (NM_001243234.2, NM_001243235.2, NM_001243236.2 and 1 more transcripts); and 6 more; short protein forms S369fs, S487fs, S526fs, S528fs, S535fs, S313fs, S506fs, S399fs.
Identifiers: ClinVar variation 2769049 (VCV002769049.3), dbSNP rs2511581925, ClinGen allele CA2697555543.

ClinVar aggregate classification (germline): Pathogenic (1 of 4 stars; one submission).

Conditions:
Pitt-Hopkins syndrome (PTHS). Also called: ENCEPHALOPATHY, SEVERE EPILEPTIC, WITH AUTONOMIC DYSFUNCTION; MENTAL RETARDATION, SYNDROMAL, WITH INTERMITTENT HYPERVENTILATION. Identifiers: Orphanet 2896, MedGen C1970431, MONDO:0012589, OMIM 610954.

Submission:

Labcorp Genetics (formerly Invitae), Labcorp
Classification: Pathogenic for Pitt-Hopkins syndrome. Last evaluated: 2023-10-29. Review status: criteria provided, single submitter. Criteria: Invitae Variant Classification Sherloc (09022015). Collection method: clinical testing. Allele origin: germline.
Comment: This sequence change creates a premature translational stop signal (p.Ser529Argfs*6) in the TCF4 gene. It is expected to result in an absent or disrupted protein product. Loss-of-function variants in TCF4 are known to be pathogenic (PMID: 18728071, 22045651). This variant is not present in population databases (gnomAD no frequency). This variant has not been reported in the literature in individuals affected with TCF4-related conditions. For these reasons, this variant has been classified as Pathogenic.

Literature cited by the submitters: PubMed 18728071; PubMed 22045651.